The following is an entry in ClinVar:

ClinVar aggregate classification (germline): Likely pathogenic. Review status: criteria provided, multiple submitters, no conflicts (2 of 4 stars). 4 submissions from 4 submitters: Likely pathogenic (3). 1 of the submissions does not count toward it. Last evaluated 2025-09-09.

Conditions:
GLB1-related disorder. Also called: GLB1-related disorders. Identifiers: MedGen CN377807.
Infantile GM1 gangliosidosis. Also called: Gangliosidosis, Generalized GM1, Type 1; GM1-gangliosidosis, type I; Gangliosidosis, generalized GM1, infantile form; GLB1 deficiency; GM1 gangliosidosis type 1. Identifiers: Orphanet 354, Orphanet 79255, MedGen C0268271, MONDO:0009260, OMIM 230500.
Mucopolysaccharidosis, MPS-IV-B (MPS4B). Also called: MORQUIO SYNDROME B; Mucopolysaccharidosis Type IVB (Morquio B Disease); Mucopolysaccharidosis type IV B; Mucopolysaccharidosis Type IVB; Mucopolysaccharidosis type IVB (Morquio); MPS IVB. Identifiers: Orphanet 309310, Orphanet 582, MedGen C0086652, MONDO:0009660, OMIM 253010.
GM1 gangliosidosis type 3. Also called: GM1-GANGLIOSIDOSIS, TYPE III; Gangliosidosis, Generalized GM1, Type 3; Beta-galactosidase deficiency; Adult GM1 gangliosidosis; Type 3 (adult) GM1 gangliosidosis; GANGLIOSIDOSIS, GENERALIZED GM1, ADULT TYPE. Identifiers: Orphanet 79257, MedGen C0268273, MONDO:0009262, OMIM 230650.
GM1 gangliosidosis type 2. Also called: GM1-GANGLIOSIDOSIS, TYPE II; Gangliosidosis, Generalized GM1, Type 2; Juvenile GM>1< gangliosidosis; GANGLIOSIDOSIS, GENERALIZED GM1, JUVENILE TYPE; GANGLIOSIDOSIS, GENERALIZED GM1, TYPE II. Identifiers: Orphanet 354, Orphanet 79256, MedGen C0268272, MONDO:0009261, OMIM 230600.
GM1 gangliosidosis. Identifiers: Orphanet 354, MedGen C0085131, MONDO:0018149.

Allele frequency attached by ClinVar (database versions not stated): gnomAD exomes below 0.00001; TOPMed below 0.00001.
gnomAD v4.1: 2 of 1,614,194 alleles (0.00012%); highest among the groups gnomAD compares: Non-Finnish European, 0.00017%; no homozygotes.

Submissions (4):

Natera, Inc.
Classification: Likely pathogenic for Mucopolysaccharidosis, MPS-IV-B. Last evaluated: 2025-09-09. Review status: criteria provided, single submitter. Criteria: Natera Variant Classification Schema (03/2026). Collection method: clinical testing. Allele origin: germline.
Comment: The c.765G>C variant in GLB1 is a missense variant predicted to cause substitution of glutamine to histidine at amino acid 255. This variant is rare in the general population with a frequency below the threshold expected for the associated phenotype(s). This variant has been observed in one or more individuals affected with the associated recessive disease, as either homozygous or compound heterozygous with a second variant (PMID: 37871851, 31720227, 25600812, 19472408). Functional studies show that this variant may disrupt protein function (PMID: 23337983, 21520340). Computational prediction algorithms indicate this variant is likely to affect gene or protein function. Given the available evidence, this variant is classified as Likely Pathogenic.

Labcorp Genetics (formerly Invitae), Labcorp
Classification: Likely pathogenic for Mucopolysaccharidosis, MPS-IV-B; GM1 gangliosidosis. Last evaluated: 2025-06-11. Review status: criteria provided, single submitter. Criteria: Invitae Variant Classification Sherloc (09022015). Collection method: clinical testing. Allele origin: germline.
Comment: This sequence change replaces glutamine, which is neutral and polar, with histidine, which is basic and polar, at codon 255 of the GLB1 protein (p.Gln255His). This variant is not present in population databases (gnomAD no frequency). This missense change has been observed in individual(s) with GM1 gangliosidosis (PMID: 16617000, 19472408, 25600812). ClinVar contains an entry for this variant (Variation ID: 554850). Invitae Evidence Modeling of protein sequence and biophysical properties (such as structural, functional, and spatial information, amino acid conservation, physicochemical variation, residue mobility, and thermodynamic stability) indicates that this missense variant is expected to disrupt GLB1 protein function with a positive predictive value of 95%. Experimental studies have shown that this missense change affects GLB1 function (PMID: 19472408). In summary, the currently available evidence indicates that the variant is pathogenic, but additional data are needed to prove that conclusively. Therefore, this variant has been classified as Likely Pathogenic.

Blueprint Genetics
Classification: Likely pathogenic for GLB1-related disorders. Last evaluated: 2024-11-22. Review status: criteria provided, single submitter. Criteria: ACMG Guidelines, 2015. Collection method: clinical testing. Allele origin: germline. Affected: yes. Observed: 4 variant alleles.

Counsyl
Classification: Likely pathogenic for Infantile GM1 gangliosidosis; GM1 gangliosidosis type 2; GM1 gangliosidosis type 3; Mucopolysaccharidosis, MPS-IV-B. Last evaluated: 2017-11-17. Review status: no assertion criteria provided. Collection method: clinical testing. Allele origin: unknown. Not counted in ClinVar's aggregate classification.

Literature cited by the submitters: PubMed 37871851 (cited by Natera, Inc.); PubMed 31720227 (cited by Natera, Inc.); PubMed 25600812 (cited by 3 submitters); PubMed 19472408 (cited by 3 submitters); PubMed 23337983 (cited by Natera, Inc. and Counsyl); PubMed 21520340 (cited by Natera, Inc. and Counsyl); PubMed 16617000 (cited by Labcorp Genetics (formerly Invitae), Labcorp and Counsyl); PubMed 22128166 (cited by Counsyl); PubMed 27750150 (cited by Counsyl).

NM_000404.4(GLB1):c.765G>C (p.Gln255His)

Gene: GLB1 (galactosidase beta 1; minus strand). Cytogenetic location: 3p22.3.
Variant type: single nucleotide variant.
Coding change: c.765G>C on transcript NM_000404.4 (MANE Select); coding-DNA position 765, G replaced by C.
Protein change: p.Gln255His; replaces glutamine 255 with histidine.
Molecular consequence: missense variant.
Genome position (GRCh38, 1-based): chr3:33,053,518, C>G on the plus strand (G>C on the coding strand, the complement: GLB1 is on the minus strand). VCF-style: chr3-33053518-C-G. GRCh37 (hg19) VCF-style: chr3-33095010-C-G.
Other names: c.675G>C, p.Gln225His (NM_001079811.3); c.372G>C, p.Gln124His (NM_001135602.3); c.909G>C, p.Gln303His (NM_001317040.2); c.765G>C, p.Gln255His (NM_001393580.1); c.765G>C (NM_000404.3); short protein forms Q255H, Q303H, Q124H, Q225H.
Identifiers: ClinVar variation 554850 (VCV000554850.7), dbSNP rs1553610553, ClinGen allele CA352002733.